The following is an entry in ClinVar:

NM_001363711.2(DUOX2):c.4146G>T (p.Leu1382Phe)

Gene: DUOX2 (dual oxidase 2; minus strand). Cytogenetic location: 15q21.1.
Variant type: single nucleotide variant.
Coding change: c.4146G>T on transcript NM_001363711.2 (MANE Select); coding-DNA position 4146, G replaced by T.
Protein change: p.Leu1382Phe; replaces leucine 1382 with phenylalanine.
Molecular consequence: missense variant.
Genome position (GRCh38, 1-based): chr15:45,095,530, C>A on the plus strand (G>T on the coding strand, the complement: DUOX2 is on the minus strand). VCF-style: chr15-45095530-C-A. GRCh37 (hg19) VCF-style: chr15-45387728-C-A.
Other names: c.4146G>T, p.Leu1382Phe (NM_014080.5); short protein forms L1382F.
Identifiers: ClinVar variation 2792878 (VCV002792878.3), dbSNP rs1208876801, ClinGen allele CA392251604.

ClinVar aggregate classification (germline): Uncertain significance (1 of 4 stars; one submission).

Allele frequency attached by ClinVar (database versions not stated): gnomAD exomes 0.00002; TOPMed below 0.00001; gnomAD 0.00001.
gnomAD v4.1: 25 of 1,614,104 alleles (0.0015%); highest among the groups gnomAD compares: Non-Finnish European, 0.002%; no homozygotes.

Submission:

Labcorp Genetics (formerly Invitae), Labcorp
Classification: Uncertain significance. Last evaluated: 2025-09-21. Review status: criteria provided, single submitter. Criteria: Invitae Variant Classification Sherloc (09022015). Collection method: clinical testing. Allele origin: germline.
Comment: This sequence change replaces leucine, which is neutral and non-polar, with phenylalanine, which is neutral and non-polar, at codon 1382 of the DUOX2 protein (p.Leu1382Phe). This variant is present in population databases (no rsID available, gnomAD 0.0009%). This variant has not been reported in the literature in individuals affected with DUOX2-related conditions. ClinVar contains an entry for this variant (Variation ID: 2792878). Invitae Evidence Modeling of protein sequence and biophysical properties (such as structural, functional, and spatial information, amino acid conservation, physicochemical variation, residue mobility, and thermodynamic stability) indicates that this missense variant is expected to disrupt DUOX2 protein function with a positive predictive value of 80%. In summary, the available evidence is currently insufficient to determine the role of this variant in disease. Therefore, it has been classified as a Variant of Uncertain Significance.